The following is an entry in ClinVar:

ClinVar aggregate classification (germline): Uncertain significance (1 of 4 stars; one submission).

Conditions:
Pityriasis rubra pilaris (PRP). Also called: Pityriasis rubra pilaris--familial type. Identifiers: Orphanet 2897, MedGen C0032027, MONDO:0100017, OMIM 173200, MONDO:0008251.
Psoriasis 2. Identifiers: MedGen C1864497, MONDO:0011269, OMIM 602723.

Allele frequency attached by ClinVar (database versions not stated): gnomAD 0.00001; gnomAD exomes 0.00002; TOPMed 0.00002.
gnomAD v4.1: 28 of 1,613,540 alleles (0.0017%); highest among the groups gnomAD compares: Non-Finnish European, 0.0022%; no homozygotes.

Submission:

Labcorp Genetics (formerly Invitae), Labcorp
Classification: Uncertain significance for Pityriasis rubra pilaris; Psoriasis 2. Last evaluated: 2025-11-03. Review status: criteria provided, single submitter. Criteria: Invitae Variant Classification Sherloc (09022015). Collection method: clinical testing. Allele origin: germline.
Comment: This sequence change replaces arginine, which is basic and polar, with tryptophan, which is neutral and slightly polar, at codon 828 of the CARD14 protein (p.Arg828Trp). The frequency data for this variant in the population databases is considered unreliable, as metrics indicate poor data quality at this position in the gnomAD database. This variant has not been reported in the literature in individuals affected with CARD14-related conditions. ClinVar contains an entry for this variant (Variation ID: 2194445). Invitae Evidence Modeling of protein sequence and biophysical properties (such as structural, functional, and spatial information, amino acid conservation, physicochemical variation, residue mobility, and thermodynamic stability) has been performed for this missense variant. However, the output from this modeling did not meet the statistical confidence thresholds required to predict the impact of this variant on CARD14 protein function. In summary, the available evidence is currently insufficient to determine the role of this variant in disease. Therefore, it has been classified as a Variant of Uncertain Significance.

NM_001366385.1(CARD14):c.2482C>T (p.Arg828Trp)

Genes: CARD14 (caspase recruitment domain family member 14; plus strand), SGSH (N-sulfoglucosamine sulfohydrolase; minus strand), LOC126862662 (MED14-independent group 3 enhancer GRCh37_chr17:78178385-78179584; plus strand). Cytogenetic location: 17q25.3.
Variant type: single nucleotide variant.
Coding change: c.2482C>T on transcript NM_001366385.1 (MANE Select); coding-DNA position 2482, C replaced by T.
Protein change: p.Arg828Trp; replaces arginine 828 with tryptophan.
Molecular consequence: missense variant. On other transcripts: non-coding transcript variant (1).
Genome position (GRCh38, 1-based): chr17:80,205,118, C>T. VCF-style: chr17-80205118-C-T. GRCh37 (hg19) VCF-style: chr17-78178917-C-T.
Other names: c.2482C>T, p.Arg828Trp (NM_024110.4); short protein forms R828W.
Identifiers: ClinVar variation 2194445 (VCV002194445.4), dbSNP rs1022967956, ClinGen allele CA294883165.